The following is an entry in ClinVar:

NM_000214.3(JAG1):c.626A>G (p.His209Arg)

Gene: JAG1 (jagged canonical Notch ligand 1; minus strand). Cytogenetic location: 20p12.2.
Variant type: single nucleotide variant.
Coding change: c.626A>G on transcript NM_000214.3 (MANE Select); coding-DNA position 626, A replaced by G.
Protein change: p.His209Arg; replaces histidine 209 with arginine.
Molecular consequence: missense variant.
Genome position (GRCh38, 1-based): chr20:10,658,536, T>C on the plus strand (A>G on the coding strand, the complement: JAG1 is on the minus strand). VCF-style: chr20-10658536-T-C. GRCh37 (hg19) VCF-style: chr20-10639184-T-C.
Other names: c.626A>G, p.His209Arg (LRG_1191t1); short protein forms H209R.
Identifiers: ClinVar variation 213566 (VCV000213566.3), dbSNP rs863223679, ClinGen allele CA321985.

ClinVar aggregate classification (germline): Likely pathogenic (1 of 4 stars; one submission).

Allele frequency attached by ClinVar (database versions not stated): gnomAD exomes below 0.00001.
gnomAD v4.1: 2 of 1,614,236 alleles (0.00012%); highest among the groups gnomAD compares: Non-Finnish European, 0.00017%; no homozygotes.

Submission:

GeneDx
Classification: Likely pathogenic. Last evaluated: 2026-01-19. Review status: criteria provided, single submitter. Criteria: GeneDx Variant Classification Process June 2021. Collection method: clinical testing. Allele origin: germline. Affected: yes.
Comment: Not observed at significant frequency in large population cohorts (gnomAD); In silico analysis supports that this missense variant has a deleterious effect on protein structure/function; Has not been previously published as pathogenic or benign to our knowledge; This variant is associated with the following publications: (PMID: 26785492)